The following is an entry in ClinVar:

ClinVar aggregate classification (germline): Conflicting classifications of pathogenicity. Review status: criteria provided, conflicting classifications (1 of 4 stars). 2 submissions from 2 submitters: Uncertain significance (1); Likely benign (1). Last evaluated 2024-04-01.

Allele frequency attached by ClinVar (database versions not stated): ExAC 0.00001; gnomAD exomes 0.00001.

Submissions (2):

CeGaT Center for Human Genetics Tuebingen
Classification: Likely benign. Last evaluated: 2024-04-01. Review status: criteria provided, single submitter. Criteria: CeGaT Center For Human Genetics Tuebingen Variant Classification Criteria Version 2. Collection method: clinical testing. Allele origin: germline. Affected: yes. Observed: 1 variant allele.
Comment: NEXMIF: BP4

Labcorp Genetics (formerly Invitae), Labcorp
Classification: Uncertain significance. Last evaluated: 2024-01-05. Review status: criteria provided, single submitter. Criteria: Invitae Variant Classification Sherloc (09022015). Collection method: clinical testing. Allele origin: germline.
Comment: This sequence change replaces valine, which is neutral and non-polar, with isoleucine, which is neutral and non-polar, at codon 1102 of the NEXMIF protein (p.Val1102Ile). This variant is present in population databases (rs750439376, gnomAD 0.001%). This variant has not been reported in the literature in individuals affected with NEXMIF-related conditions. ClinVar contains an entry for this variant (Variation ID: 965673). Algorithms developed to predict the effect of missense changes on protein structure and function output the following: SIFT: "Not Available"; PolyPhen-2: "Benign"; Align-GVGD: "Not Available". The isoleucine amino acid residue is found in multiple mammalian species, which suggests that this missense change does not adversely affect protein function. In summary, the available evidence is currently insufficient to determine the role of this variant in disease. Therefore, it has been classified as a Variant of Uncertain Significance.

NM_001008537.3(NEXMIF):c.3304G>A (p.Val1102Ile)

Gene: NEXMIF (neurite extension and migration factor; minus strand). Cytogenetic location: Xq13.3.
Variant type: single nucleotide variant.
Coding change: c.3304G>A on transcript NM_001008537.3 (MANE Select); coding-DNA position 3304, G replaced by A.
Protein change: p.Val1102Ile; replaces valine 1102 with isoleucine.
Molecular consequence: missense variant.
Genome position (GRCh38, 1-based): chrX:74,741,253, C>T on the plus strand (G>A on the coding strand, the complement: NEXMIF is on the minus strand). VCF-style: chrX-74741253-C-T. GRCh37 (hg19) VCF-style: chrX-73961088-C-T.
Other names: short protein forms V1102I.
Identifiers: ClinVar variation 965673 (VCV000965673.29), dbSNP rs750439376, ClinGen allele CA10454960.